The following is an entry in ClinVar:

ClinVar aggregate classification (germline): Benign/Likely benign. Review status: criteria provided, multiple submitters, no conflicts (2 of 4 stars). 3 submissions from 3 submitters: Benign (1); Likely benign (2). Last evaluated 2026-05-05.

Conditions:
Colorectal cancer, hereditary nonpolyposis, type 7. Identifiers: Orphanet 144, MedGen C1858380, MONDO:0013725, OMIM 614385.

Allele frequency attached by ClinVar (database versions not stated): gnomAD 0.00003 and 0.00004; gnomAD exomes below 0.00001 and 0.00001; TOPMed 0.00001.
gnomAD v4.1: 9 of 1,614,052 alleles (0.00056%); highest among the groups gnomAD compares: African/African-American, 0.0067%; no homozygotes.

Submissions (3):

Myriad Genetics, Inc.
Classification: Benign for Colorectal cancer, hereditary nonpolyposis, type 7. Last evaluated: 2026-05-05. Review status: criteria provided, single submitter. Criteria: Myriad Autosomal Dominant, Autosomal Recessive and X-Linked Classification Criteria (2023). Collection method: clinical testing. Allele origin: unknown.
Comment: This variant is considered benign. This variant is a silent/synonymous amino acid change and it is not expected to impact splicing.

Labcorp Genetics (formerly Invitae), Labcorp
Classification: Likely benign for Colorectal cancer, hereditary nonpolyposis, type 7. Last evaluated: 2025-08-29. Review status: criteria provided, single submitter. Criteria: Invitae Variant Classification Sherloc (09022015). Collection method: clinical testing. Allele origin: germline.

Ambry Genetics
Classification: Likely benign. Last evaluated: 2022-02-02. Review status: criteria provided, single submitter. Criteria: Ambry Variant Classification Scheme 2023. Collection method: clinical testing. Allele origin: germline.

NM_001040108.2(MLH3):c.2493A>G (p.Pro831=)

Gene: MLH3 (mutL homolog 3; minus strand). Cytogenetic location: 14q24.3.
Variant type: single nucleotide variant.
Coding change: c.2493A>G on transcript NM_001040108.2 (MANE Select); coding-DNA position 2493, A replaced by G.
Protein change: p.Pro831=; no amino-acid change (proline 831 retained).
Molecular consequence: synonymous variant.
Genome position (GRCh38, 1-based): chr14:75,047,163, T>C on the plus strand (A>G on the coding strand, the complement: MLH3 is on the minus strand). VCF-style: chr14-75047163-T-C. GRCh37 (hg19) VCF-style: chr14-75513866-T-C.
Other names: c.2493A>G, p.Pro831= (NM_014381.3).
Identifiers: ClinVar variation 700034 (VCV000700034.14), dbSNP rs1201029113, ClinGen allele CA487273057.
Genomic context (GRCh38, chr14:75,047,163, plus strand): 5'-CATAGGACTTTCTCTCAAACTAGGCATCTGTTGTTCTAAACAATCTTCATCCTTGGAGAA[T>C]GGAAACTTCTCTGAGTTAAGGATGTGGCTTGCTGGTTGACAACTACTATCTGAATCACTA-3'
Protein context (NP_001035197.1, residues 821-841): ASHILNSEKF[Pro831=]FSKDEDCLEQ